The following is an entry in ClinVar:

ClinVar aggregate classification (germline): Uncertain significance (1 of 4 stars; one submission).

Conditions:
TTC8-related disorder. Also called: TTC8-related condition.

gnomAD v4.1: 8 of 1,449,018 alleles (0.00055%); highest among the groups gnomAD compares: Non-Finnish European, 0.00078%; no homozygotes.

Submission:

PreventionGenetics, part of Exact Sciences
Classification: Uncertain significance for TTC8-related condition. Last evaluated: 2025-08-06. Review status: criteria provided, single submitter. Criteria: ACMG Guidelines, 2015. Collection method: clinical testing. Allele origin: germline.
Comment: The TTC8 c.29A>G variant is predicted to result in the amino acid substitution p.His10Arg. To our knowledge, this variant has not been reported in the literature. This variant is reported in 0.0065% of alleles in individuals of European (Non-Finnish) descent in gnomAD. At this time, the clinical significance of this variant is uncertain due to the absence of conclusive functional and genetic evidence.

NM_144596.4(TTC8):c.579+42A>G

Gene: TTC8 (tetratricopeptide repeat domain 8; plus strand). Cytogenetic location: 14q31.3.
Variant type: single nucleotide variant.
Coding change: c.579+42A>G on transcript NM_144596.4 (MANE Select); 42 bases into the intron after coding-DNA position 579, A replaced by G.
Molecular consequence: intron variant. On other transcripts: missense variant (1).
Genome position (GRCh38, 1-based): chr14:88,841,556, A>G. VCF-style: chr14-88841556-A-G. GRCh37 (hg19) VCF-style: chr14-89307900-A-G.
Other names: c.29A>G, p.His10Arg (NM_001288782.1); c.549+42A>G (NM_001288781.1, NM_198309.3, NM_001366535.2); c.-199+360A>G (NM_001288783.1); c.459+360A>G (NM_198310.3, NM_001366536.2); short protein forms H10R.
Identifiers: ClinVar variation 3357887 (VCV003357887.2).
Genomic context (GRCh38, chr14:88,841,556, plus strand): 5'-GAAACCTAAGTTGGCAAAGGTATGTACTTAAAATGATTTTGAGTTATGAAGTAATATTAC[A>G]CGTATGATGATAATGACAAATTAGAAAATGAATAAAAACTTGTGAAGGAAAGGCCATGTC-3'